The following is an entry in ClinVar:

NM_017514.5(PLXNA3):c.4795+10C>T

Gene: PLXNA3 (plexin A3; plus strand). Cytogenetic location: Xq28.
Variant type: single nucleotide variant.
Coding change: c.4795+10C>T on transcript NM_017514.5 (MANE Select); 10 bases into the intron after coding-DNA position 4795, C replaced by T.
Molecular consequence: intron variant.
Genome position (GRCh38, 1-based): chrX:154,469,794, C>T. VCF-style: chrX-154469794-C-T. GRCh37 (hg19) VCF-style: chrX-153698137-C-T.
Identifiers: ClinVar variation 3031094 (VCV003031094.2), dbSNP rs1557208741, ClinGen allele CA645291203.

ClinVar aggregate classification (germline): Likely benign (0 of 4 stars; one submission).

Conditions:
PLXNA3-related disorder. Also called: PLXNA3-related condition.

Allele frequency attached by ClinVar (database versions not stated): TOPMed below 0.00001; gnomAD exomes 0.00002.
gnomAD v4.1: 24 of 1,190,983 alleles (0.002%); highest among the groups gnomAD compares: Non-Finnish European, 0.0027%; no homozygotes.

Submission:

PreventionGenetics, part of Exact Sciences
Classification: Likely benign for PLXNA3-related condition. Last evaluated: 2024-02-06. Review status: no assertion criteria provided. Collection method: clinical testing. Allele origin: germline.
Comment: This variant is classified as likely benign based on ACMG/AMP sequence variant interpretation guidelines (Richards et al. 2015 PMID: 25741868, with internal and published modifications).